The following is an entry in ClinVar:

ClinVar aggregate classification (germline): Pathogenic (1 of 4 stars; one submission).

Submission:

Labcorp Genetics (formerly Invitae), Labcorp
Classification: Pathogenic. Last evaluated: 2023-09-17. Review status: criteria provided, single submitter. Criteria: Invitae Variant Classification Sherloc (09022015). Collection method: clinical testing. Allele origin: germline.
Comment: For these reasons, this variant has been classified as Pathogenic. This variant disrupts a region of the LOXHD1 protein in which other variant(s) (p.Thr2123Argfs*30) have been determined to be pathogenic (PMID: 34171171). This suggests that this is a clinically significant region of the protein, and that variants that disrupt it are likely to be disease-causing. Variants that disrupt the consensus splice site are a relatively common cause of aberrant splicing (PMID: 17576681, 9536098). Algorithms developed to predict the effect of sequence changes on RNA splicing suggest that this variant may disrupt the consensus splice site. This variant has not been reported in the literature in individuals affected with LOXHD1-related conditions. This variant is not present in population databases (gnomAD no frequency). This sequence change affects a donor splice site in intron 39 of the LOXHD1 gene. While this variant is not anticipated to result in nonsense mediated decay, it likely alters RNA splicing and results in a disrupted protein product.

Literature cited by the submitters: PubMed 34171171; PubMed 17576681; PubMed 9536098.

NM_001384474.1(LOXHD1):c.6341+2T>A

Gene: LOXHD1 (lipoxygenase homology PLAT domains 1; minus strand). Cytogenetic location: 18q21.1.
Variant type: single nucleotide variant.
Coding change: c.6341+2T>A on transcript NM_001384474.1 (MANE Select); the canonical splice donor site of the intron after coding-DNA position 6341, T replaced by A.
Molecular consequence: splice donor variant.
Genome position (GRCh38, 1-based): chr18:46,483,585, A>T on the plus strand (T>A on the coding strand, the complement: LOXHD1 is on the minus strand). VCF-style: chr18-46483585-A-T. GRCh37 (hg19) VCF-style: chr18-44063548-A-T.
Other names: c.3008+2T>A (NM_001145472.3); c.2720+2T>A (NM_001308013.2); c.1058+2T>A (NM_001173129.2, NM_001145473.3); c.6155+2T>A (NM_144612.7).
Identifiers: ClinVar variation 2958451 (VCV002958451.3), dbSNP rs1598810954, ClinGen allele CA402365823.
Genomic context (GRCh38, chr18:46,483,585, plus strand): 5'-AGCTCAGTCCCTGCCCCATGCTGAGGGAGTGGCACTTCCTTGGGGAGAGGCTCAGTACAT[A>T]CACATTGCCGTACTCCATCTCGGTGATGGTGATGGTCTTGACATGCCAGGCAAGTTCTCT-3'